The following is an entry in ClinVar:

ClinVar aggregate classification (germline): Pathogenic/Likely pathogenic. Review status: criteria provided, multiple submitters, no conflicts (2 of 4 stars). 2 submissions from 2 submitters: Pathogenic (1); Likely pathogenic (1). Last evaluated 2022-10-28.

Conditions:
Inborn genetic diseases. Identifiers: MedGen C0950123, MeSH D030342.
Charcot-Marie-Tooth disease type 4. Also called: Charcot-Marie-Tooth disease, type IV; Charcot-Marie-Tooth, Type 4. Identifiers: Orphanet 64749, MedGen C4082197, MONDO:0018995.

Submissions (2):

Labcorp Genetics (formerly Invitae), Labcorp
Classification: Pathogenic for Charcot-Marie-Tooth disease type 4. Last evaluated: 2022-10-28. Review status: criteria provided, single submitter. Criteria: Invitae Variant Classification Sherloc (09022015). Collection method: clinical testing. Allele origin: germline.
Comment: For these reasons, this variant has been classified as Pathogenic. Algorithms developed to predict the effect of sequence changes on RNA splicing suggest that this variant may disrupt the consensus splice site. Disruption of this splice site has been observed in individuals with clinical features of NDRG1-related conditions (PMID: 34169998; Invitae). This variant is not present in population databases (gnomAD no frequency). This sequence change affects a donor splice site in intron 4 of the NDRG1 gene. It is expected to disrupt RNA splicing. Variants that disrupt the donor or acceptor splice site typically lead to a loss of protein function (PMID: 16199547), and loss-of-function variants in NDRG1 are known to be pathogenic (PMID: 12872253, 23996628).

Ambry Genetics
Classification: Likely pathogenic for Inborn genetic diseases. Last evaluated: 2021-09-08. Review status: criteria provided, single submitter. Criteria: Ambry Variant Classification Scheme 2023. Collection method: clinical testing. Allele origin: germline.
Comment: The c.205+1G>C intronic variant results from a G to C substitution one nucleotide after coding exon 3 of the NDRG1 gene. This variant is considered to be rare based on population cohorts in the Genome Aggregation Database (gnomAD). This nucleotide position is highly conserved in available vertebrate species. In silico splice site analysis predicts that this alteration will weaken the native splice donor site. Alterations that disrupt the canonical splice site are expected to cause aberrant splicing, resulting in an abnormal protein or a transcript that is subject to nonsense-mediated mRNA decay. As such, this alteration is classified as likely pathogenic.

Literature cited by the submitters: PubMed 34169998 (cited by Labcorp Genetics (formerly Invitae), Labcorp); PubMed 16199547 (cited by Labcorp Genetics (formerly Invitae), Labcorp); PubMed 12872253 (cited by Labcorp Genetics (formerly Invitae), Labcorp); PubMed 23996628 (cited by Labcorp Genetics (formerly Invitae), Labcorp).

NM_006096.4(NDRG1):c.205+1G>C

Gene: NDRG1 (N-myc downstream regulated 1; minus strand). Cytogenetic location: 8q24.22.
Variant type: single nucleotide variant.
Coding change: c.205+1G>C on transcript NM_006096.4 (MANE Select); the canonical splice donor site of the intron after coding-DNA position 205, G replaced by C.
Molecular consequence: splice donor variant. On other transcripts: intron variant (1).
Genome position (GRCh38, 1-based): chr8:133,264,546, C>G on the plus strand (G>C on the coding strand, the complement: NDRG1 is on the minus strand). VCF-style: chr8-133264546-C-G. GRCh37 (hg19) VCF-style: chr8-134276789-C-G.
Other names: c.7+1G>C (NM_001258432.2, NM_001374847.1); c.-38-2379G>C (NM_001258433.2); c.205+1G>C (NM_001374844.1, NM_001135242.2, NM_001374845.1 and 1 more transcripts).
Identifiers: ClinVar variation 1785055 (VCV001785055.8), dbSNP rs1060503092, ClinGen allele CA372256420.